The following is an entry in ClinVar:

ClinVar aggregate classification (germline): Uncertain significance. Review status: reviewed by expert panel (3 of 4 stars). 3 submissions from 3 submitters: Uncertain significance (1). 2 of the submissions do not count toward it. Last evaluated 2024-07-25.

Conditions:
Inborn genetic diseases. Identifiers: MedGen C0950123, MeSH D030342.
Hereditary thrombocytopenia and hematological cancer predisposition syndrome associated with RUNX1. Also called: Familial Platelet Disorder with Propensity to Acute Myelogenous Leukemia; Familial thrombocytopenia with propensity to acute myelogenous leukemia; RUNX1 Familial Platelet Disorder with Associated Myeloid Malignancies; PLATELET DISORDER, ASPIRIN-LIKE. Identifiers: Orphanet 71290, MedGen C1832388, MeSH C563324, MONDO:0100083, OMIM 601399.
Hereditary thrombocytopenia and hematologic cancer predisposition syndrome. Identifiers: Orphanet 71290, MedGen CN281654, MONDO:0011071.

Allele frequency attached by ClinVar (database versions not stated): gnomAD exomes below 0.00001 and 0.00002; TOPMed below 0.00001; ExAC 0.00001; gnomAD 0.00001; 1000 Genomes Project 30x 0.00016; 1000 Genomes Project 0.00020.
gnomAD v4.1: 25 of 1,614,202 alleles (0.0015%); highest among the groups gnomAD compares: Non-Finnish European, 0.0019%; no homozygotes.

Submissions (3):

ClinGen Myeloid Malignancy Variant Curation Expert Panel
Classification: Uncertain significance for Hereditary thrombocytopenia and hematologic cancer predisposition syndrome. Last evaluated: 2024-07-25. Review status: reviewed by expert panel. Criteria: ClinGen MyeloMalig ACMG Specifications v2. Collection method: curation. Allele origin: germline. Inheritance: Autosomal dominant inheritance.
Comment: NM_001754.5(RUNX1):c.916C>T (p.Arg306Cys) is a missense variant which does not meet any ACMG/AMP criteria. In summary, the clinical significance of this variant is uncertain. ACMG/AMP criteria applied, as specified by the Myeloid Malignancy Variant Curation Expert Panel for RUNX1: None.

Labcorp Genetics (formerly Invitae), Labcorp
Classification: Uncertain significance for Hereditary thrombocytopenia and hematological cancer predisposition syndrome associated with RUNX1. Last evaluated: 2026-02-01. Review status: criteria provided, single submitter. Criteria: Invitae Variant Classification Sherloc (09022015). Collection method: clinical testing. Allele origin: germline. Not counted in ClinVar's aggregate classification.
Comment: This sequence change replaces arginine, which is basic and polar, with cysteine, which is neutral and slightly polar, at codon 306 of the RUNX1 protein (p.Arg306Cys). This variant is not present in population databases (gnomAD no frequency). This variant has not been reported in the literature in individuals affected with RUNX1-related conditions. ClinVar contains an entry for this variant (Variation ID: 953427). Invitae Evidence Modeling of protein sequence and biophysical properties (such as structural, functional, and spatial information, amino acid conservation, physicochemical variation, residue mobility, and thermodynamic stability) has been performed for this missense variant. However, the output from this modeling did not meet the statistical confidence thresholds required to predict the impact of this variant on RUNX1 protein function. In summary, the available evidence is currently insufficient to determine the role of this variant in disease. Therefore, it has been classified as a Variant of Uncertain Significance.

Ambry Genetics
Classification: Uncertain significance for Inborn genetic diseases. Last evaluated: 2025-06-02. Review status: criteria provided, single submitter. Criteria: Ambry Variant Classification Scheme 2023. Collection method: clinical testing. Allele origin: germline. Not counted in ClinVar's aggregate classification.
Comment: The p.R306C variant (also known as c.916C>T), located in coding exon 7 of the RUNX1 gene, results from a C to T substitution at nucleotide position 916. The arginine at codon 306 is replaced by cysteine, an amino acid with highly dissimilar properties. This amino acid position is highly conserved in available vertebrate species. In addition, the in silico prediction for this alteration is inconclusive. Based on the available evidence, the clinical significance of this variant remains unclear.

NM_001754.5(RUNX1):c.916C>T (p.Arg306Cys)

Gene: RUNX1 (RUNX family transcription factor 1; minus strand). Cytogenetic location: 21q22.12.
Variant type: single nucleotide variant.
Coding change: c.916C>T on transcript NM_001754.5 (MANE Select); coding-DNA position 916, C replaced by T.
Protein change: p.Arg306Cys; replaces arginine 306 with cysteine.
Molecular consequence: missense variant.
Genome position (GRCh38, 1-based): chr21:34,799,352, G>A on the plus strand (C>T on the coding strand, the complement: RUNX1 is on the minus strand). VCF-style: chr21-34799352-G-A. GRCh37 (hg19) VCF-style: chr21-36171649-G-A.
Other names: NM_001754.5(RUNX1):c.916C>T; p.Arg306Cys; c.835C>T, p.Arg279Cys (NM_001001890.3); short protein forms R279C, R306C.
Identifiers: ClinVar variation 953427 (VCV000953427.10), dbSNP rs202037007, ClinGen allele CA10014271.